The following is an entry in ClinVar:

NM_024312.5(GNPTAB):c.1085del (p.Asn362fs)

Gene: GNPTAB (N-acetylglucosamine-1-phosphate transferase subunits alpha and beta; minus strand). Cytogenetic location: 12q23.2.
Variant type: Deletion.
Coding change: c.1085del on transcript NM_024312.5 (MANE Select); coding-DNA position 1085, one base deleted (A; older notation c.1085delA).
Protein change: p.Asn362fs; shifts the reading frame from asparagine 362.
Molecular consequence: frameshift variant.
Genome position (GRCh38, 1-based): chr12:101,770,434, T deleted on the plus strand (A on the coding strand, the reverse complement: GNPTAB is on the minus strand); the first of 2 consecutive T bases (chr12:101,770,434-101,770,435); deleting either gives the same sequence. VCF-style (leftmost placement, unchanged base first): chr12-101770433-AT-A. GRCh37 (hg19) VCF-style: chr12-102164211-AT-A.
Other names: short protein forms N362fs.
Identifiers: ClinVar variation 4816135 (VCV004816135.1).

ClinVar aggregate classification (germline): Likely pathogenic (1 of 4 stars; one submission).

Conditions:
Mucolipidosis type II. Also called: ML II ALPHA/BETA; Mucolipidosis 2; ML 2; Inclusion cell disease; Leroy Disease; N-acetylglucosamine 1phosphotransferase deficiency. Identifiers: Orphanet 576, MedGen C2673377, MONDO:0009650, OMIM 252500.

Submission:

Natera, Inc.
Classification: Likely pathogenic for Mucolipidosis type II. Last evaluated: 2025-12-17. Review status: criteria provided, single submitter. Criteria: Natera Variant Classification Schema (03/2026). Collection method: clinical testing. Allele origin: germline.
Comment: The c.1085del variant in GNPTAB is a frameshift variant predicted to shift the reading frame beginning at codon 362 and leads to a stop codon 4 codons downstream. This variant is expected to result in nonsense mediated decay, truncation, or a dysfunctional protein product. This variant is rare in the general population with a frequency below the threshold expected for the associated phenotype(s). Given the available evidence, this variant is classified as Likely Pathogenic.